The following is an entry in ClinVar:

ClinVar aggregate classification (germline): Uncertain significance (1 of 4 stars; one submission).

Submission:

GeneDx
Classification: Uncertain significance. Last evaluated: 2024-02-27. Review status: criteria provided, single submitter. Criteria: GeneDx Variant Classification Process June 2021. Collection method: clinical testing. Allele origin: germline. Affected: yes.
Comment: Not observed at significant frequency in large population cohorts (gnomAD); In silico analysis supports that this missense variant has a deleterious effect on protein structure/function; Has not been previously published as pathogenic or benign to our knowledge

NM_000965.5(RARB):c.1173G>C (p.Leu391Phe)

Gene: RARB (retinoic acid receptor beta; plus strand). Cytogenetic location: 3p24.2.
Variant type: single nucleotide variant.
Coding change: c.1173G>C on transcript NM_000965.5 (MANE Select); coding-DNA position 1173, G replaced by C.
Protein change: p.Leu391Phe; replaces leucine 391 with phenylalanine.
Molecular consequence: missense variant. On other transcripts: non-coding transcript variant (2).
Genome position (GRCh38, 1-based): chr3:25,596,442, G>C. VCF-style: chr3-25596442-G-C. GRCh37 (hg19) VCF-style: chr3-25637933-G-C.
Other names: c.1194G>C, p.Leu398Phe (NM_001290216.3); c.837G>C, p.Leu279Phe (NM_001290217.2, NM_001290276.2, NM_016152.4); c.1026G>C, p.Leu342Phe (NM_001290266.2); c.1035G>C, p.Leu345Phe (NM_001290277.1); c.1044G>C, p.Leu348Phe (NM_001290300.2); short protein forms L279F, L342F, L345F, L348F, L391F, L398F.
Identifiers: ClinVar variation 3369609 (VCV003369609.1).